The following is an entry in ClinVar:

NM_001184900.3(CARD8):c.706G>T (p.Asp236Tyr)

Gene: CARD8 (caspase recruitment domain family member 8; minus strand). Cytogenetic location: 19q13.33.
Variant type: single nucleotide variant.
Coding change: c.706G>T on transcript NM_001184900.3 (MANE Select); coding-DNA position 706, G replaced by T.
Protein change: p.Asp236Tyr; replaces aspartic acid 236 with tyrosine.
Molecular consequence: missense variant. On other transcripts: non-coding transcript variant (4).
Genome position (GRCh38, 1-based): chr19:48,230,843, C>A on the plus strand (G>T on the coding strand, the complement: CARD8 is on the minus strand). VCF-style: chr19-48230843-C-A. GRCh37 (hg19) VCF-style: chr19-48734100-C-A.
Other names: c.556G>T, p.Asp186Tyr (NM_001184901.1, NM_001351783.2, NM_001351788.2 and 2 more transcripts); c.706G>T, p.Asp236Tyr (NM_001184902.2, NM_001184903.1, NM_001351782.2); c.391G>T, p.Asp131Tyr (NM_001351784.2, NM_001351787.2, NM_001351791.2 and 2 more transcripts); c.370G>T, p.Asp124Tyr (NM_001351786.2); c.463G>T, p.Asp155Tyr (NM_001351790.2); c.-117G>T (NM_001426741.1); short protein forms D131Y, D155Y, D186Y, D124Y, D236Y.
Identifiers: ClinVar variation 2766133 (VCV002766133.3), dbSNP rs2514723308, ClinGen allele CA406644347.

ClinVar aggregate classification (germline): Uncertain significance (1 of 4 stars; one submission).

Allele frequency attached by ClinVar (database versions not stated): gnomAD exomes below 0.00001.
gnomAD v4.1: 1 of 1,614,164 alleles (0.000062%); highest among the groups gnomAD compares: Non-Finnish European, 0.000085%; no homozygotes.

Submission:

Labcorp Genetics (formerly Invitae), Labcorp
Classification: Uncertain significance. Last evaluated: 2023-10-05. Review status: criteria provided, single submitter. Criteria: Invitae Variant Classification Sherloc (09022015). Collection method: clinical testing. Allele origin: germline.
Comment: This sequence change replaces aspartic acid, which is acidic and polar, with tyrosine, which is neutral and polar, at codon 186 of the CARD8 protein (p.Asp186Tyr). This variant is not present in population databases (gnomAD no frequency). This variant has not been reported in the literature in individuals affected with CARD8-related conditions. An algorithm developed to predict the effect of missense changes on protein structure and function (PolyPhen-2) suggests that this variant is likely to be disruptive. Algorithms developed to predict the effect of sequence changes on RNA splicing suggest that this variant may create or strengthen a splice site. In summary, the available evidence is currently insufficient to determine the role of this variant in disease. Therefore, it has been classified as a Variant of Uncertain Significance.